The following is an entry in ClinVar:

ClinVar aggregate classification (germline): Uncertain significance (1 of 4 stars; one submission).

Allele frequency attached by ClinVar (database versions not stated): gnomAD 0.00001.
gnomAD v4.1: 1 of 1,613,888 alleles (0.000062%); highest among the groups gnomAD compares: Admixed American, 0.0017%; no homozygotes.

Submission:

GeneDx
Classification: Uncertain significance. Last evaluated: 2019-10-10. Review status: criteria provided, single submitter. Criteria: GeneDx Variant Classification Process June 2021. Collection method: clinical testing. Allele origin: germline. Affected: yes.
Comment: Not observed in large population cohorts (Lek et al., 2016); In silico analysis, which includes protein predictors and evolutionary conservation, supports a deleterious effect; Has not been previously published as pathogenic or benign to our knowledge

NM_006514.4(SCN10A):c.2165A>G (p.Tyr722Cys)

Gene: SCN10A (sodium voltage-gated channel alpha subunit 10; minus strand). Cytogenetic location: 3p22.2.
Variant type: single nucleotide variant.
Coding change: c.2165A>G on transcript NM_006514.4 (MANE Select); coding-DNA position 2165, A replaced by G.
Protein change: p.Tyr722Cys; replaces tyrosine 722 with cysteine.
Molecular consequence: missense variant.
Genome position (GRCh38, 1-based): chr3:38,739,630, T>C on the plus strand (A>G on the coding strand, the complement: SCN10A is on the minus strand). VCF-style: chr3-38739630-T-C. GRCh37 (hg19) VCF-style: chr3-38781121-T-C.
Other names: c.2165A>G, p.Tyr722Cys (NM_001293306.2); c.1871A>G, p.Tyr624Cys (NM_001293307.2); short protein forms Y624C, Y722C.
Identifiers: ClinVar variation 1304116 (VCV001304116.2), dbSNP rs2063609171, ClinGen allele CA352164507.